The following is an entry in ClinVar:

NM_014727.3(KMT2B):c.4844C>T (p.Ser1615Leu)

Gene: KMT2B (lysine methyltransferase 2B; plus strand). Cytogenetic location: 19q13.12.
Variant type: single nucleotide variant.
Coding change: c.4844C>T on transcript NM_014727.3 (MANE Select); coding-DNA position 4844, C replaced by T.
Protein change: p.Ser1615Leu; replaces serine 1615 with leucine.
Molecular consequence: missense variant.
Genome position (GRCh38, 1-based): chr19:35,729,223, C>T. VCF-style: chr19-35729223-C-T. GRCh37 (hg19) VCF-style: chr19-36220124-C-T.
Other names: c.4844C>T (NM_014727.1); short protein forms S1615L.
Identifiers: ClinVar variation 1067862 (VCV001067862.10), dbSNP rs2146459766, ClinGen allele CA405417992.
Genomic context (GRCh38, chr19:35,729,223, plus strand): 5'-CGGGGCGGCTCTTGTACATCGGGCAGAACGAGTGGACACACGTCAACTGTGCCATCTGGT[C>T]GGCGGAAGTCTTCGAGGAGAACGACGGCTCCCTCAAGAATGTGCATGCTGCTGTGGCCCG-3'
Protein context (NP_055542.1, residues 1605-1625): EWTHVNCAIW[Ser1615Leu]AEVFEENDGS

ClinVar aggregate classification (germline): Conflicting classifications of pathogenicity. Review status: criteria provided, conflicting classifications (1 of 4 stars). 3 submissions from 3 submitters: Likely pathogenic (2); Uncertain significance (1). Last evaluated 2023-10-20.

Conditions:
Inborn genetic diseases. Identifiers: MedGen C0950123, MeSH D030342.
Dystonia 28, childhood-onset (DYT28). Also called: KMT2B-Related Dystonia (DYT-KMT2B). Identifiers: Orphanet 589618, MedGen C4310633, MONDO:0015004, OMIM 617284.

Submissions (3):

Institute of Human Genetics, FAU Erlangen, Friedrich-Alexander-Universität Erlangen-Nürnberg
Classification: Likely pathogenic for Dystonia 28, childhood-onset. Last evaluated: 2023-10-20. Review status: criteria provided, single submitter. Criteria: Hauer et al. (Genet Med. 2018). Collection method: clinical testing. Allele origin: germline. Inheritance: Autosomal dominant inheritance. Affected: yes. Observed: 1 variant allele.
Comment: This variant has been identified by standard clinical testing. de novo Selected ACMG criteria: Likely pathogenic (II):PP3;PM2;PS2

Ambry Genetics
Classification: Uncertain significance for Inborn genetic diseases. Last evaluated: 2021-08-20. Review status: criteria provided, single submitter. Criteria: Ambry Variant Classification Scheme 2023. Collection method: clinical testing. Allele origin: germline.
Comment: The c.4844C>T (p.S1615L) alteration is located in exon 22 (coding exon 22) of the KMT2B gene. This alteration results from a C to T substitution at nucleotide position 4844, causing the serine (S) at amino acid position 1615 to be replaced by a leucine (L). This variant was not reported in population-based cohorts in the Genome Aggregation Database (gnomAD). This amino acid position is highly conserved in available vertebrate species. This alteration is in the PHD-like zinc-binding domain and in silico modeling predicted that the leucine will eliminate the hydrogen-bond interaction between S1615 ad T1650 and could affect the residue packing in this region, destabilizing the fold of this domain and possibly the entire protein (Carrechio, 2019). The in silico prediction for this alteration is inconclusive. Based on insufficient or conflicting evidence, the clinical significance of this alteration remains unclear.

Labcorp Genetics (formerly Invitae), Labcorp
Classification: Likely pathogenic. Last evaluated: 2020-06-12. Review status: criteria provided, single submitter. Criteria: Invitae Variant Classification Sherloc (09022015). Collection method: clinical testing. Allele origin: germline.
Comment: This variant has been observed in individuals with clinical features of childhood-onset dystonia (PMID: 31216378, Invitae). In at least one individual the variant was observed to be de novo. Algorithms developed to predict the effect of missense changes on protein structure and function are either unavailable or do not agree on the potential impact of this missense change (SIFT: "Deleterious"; PolyPhen-2: "Not Available"; Align-GVGD: "Class C0"). In summary, the currently available evidence indicates that the variant is pathogenic, but additional data are needed to prove that conclusively. Therefore, this variant has been classified as Likely Pathogenic. This variant is not present in population databases (ExAC no frequency). This sequence change replaces serine with leucine at codon 1615 of the KMT2B protein (p.Ser1615Leu). The serine residue is moderately conserved and there is a large physicochemical difference between serine and leucine.

Literature cited by the submitters: PubMed 31216378 (cited by Ambry Genetics and Labcorp Genetics (formerly Invitae), Labcorp).